The following is an entry in ClinVar:

NM_014915.3(ANKRD26):c.2291A>G (p.Gln764Arg)

Gene: ANKRD26 (ankyrin repeat domain containing 26; minus strand). Cytogenetic location: 10p12.1.
Variant type: single nucleotide variant.
Coding change: c.2291A>G on transcript NM_014915.3 (MANE Select); coding-DNA position 2291, A replaced by G.
Protein change: p.Gln764Arg; replaces glutamine 764 with arginine.
Molecular consequence: missense variant.
Genome position (GRCh38, 1-based): chr10:27,040,049, T>C on the plus strand (A>G on the coding strand, the complement: ANKRD26 is on the minus strand). VCF-style: chr10-27040049-T-C. GRCh37 (hg19) VCF-style: chr10-27328978-T-C.
Other names: c.2288A>G, p.Gln763Arg (NM_001256053.2); short protein forms Q764R, Q763R.
Identifiers: ClinVar variation 3869792 (VCV003869792.1).
Genomic context (GRCh38, chr10:27,040,049, plus strand): 5'-CATTCAACTTTTTGATGCTCTAACTGTGATTTTATTTCTTTTGTTTCAGATAGCTCCCTT[T>C]GTAGTACATTAACCTTGTCTTCCATTTTTTTAATTTTTACTGTAAGTAGTTCACAGTGAT-3'
Protein context (NP_055730.2, residues 754-774): KKMEDKVNVL[Gln764Arg]RELSETKEIK

ClinVar aggregate classification (germline): Uncertain significance (1 of 4 stars; one submission).

Conditions:
Inborn genetic diseases. Identifiers: MedGen C0950123, MeSH D030342.

gnomAD v4.1: 5 of 1,613,626 alleles (0.00031%); highest among the groups gnomAD compares: East Asian, 0.0089%; no homozygotes.

Submission:

Ambry Genetics
Classification: Uncertain significance for Inborn genetic diseases. Last evaluated: 2024-12-29. Review status: criteria provided, single submitter. Criteria: Ambry Variant Classification Scheme 2023. Collection method: clinical testing. Allele origin: germline.
Comment: The p.Q764R variant (also known as c.2291A>G), located in coding exon 21 of the ANKRD26 gene, results from an A to G substitution at nucleotide position 2291. The glutamine at codon 764 is replaced by arginine, an amino acid with highly similar properties. This amino acid position is conserved. In addition, this alteration is predicted to be tolerated by in silico analysis. Based on the available evidence, the clinical significance of this variant remains unclear.